The following is an entry in ClinVar:

NM_002691.4(POLD1):c.1700G>A (p.Gly567Glu)

Gene: POLD1 (DNA polymerase delta 1, catalytic subunit; plus strand). Cytogenetic location: 19q13.33.
Variant type: single nucleotide variant.
Coding change: c.1700G>A on transcript NM_002691.4 (MANE Select); coding-DNA position 1700, G replaced by A.
Protein change: p.Gly567Glu; replaces glycine 567 with glutamic acid.
Molecular consequence: missense variant. On other transcripts: non-coding transcript variant (1).
Genome position (GRCh38, 1-based): chr19:50,407,340, G>A. VCF-style: chr19-50407340-G-A. GRCh37 (hg19) VCF-style: chr19-50910597-G-A.
Other names: c.1700G>A, p.Gly567Glu (NM_001256849.1, NM_001308632.1); short protein forms G567E.
Identifiers: ClinVar variation 2560439 (VCV002560439.6), dbSNP rs1601220977, ClinGen allele CA406981196.

ClinVar aggregate classification (germline): Conflicting classifications of pathogenicity. Review status: criteria provided, conflicting classifications (1 of 4 stars). 2 submissions from 2 submitters: Uncertain significance (1); Likely benign (1). Last evaluated 2025-04-08.

Conditions:
POLD1-related polyposis and colorectal cancer syndrome (CRCS10). Also called: Colorectal cancer, susceptibility to, 10; Colorectal cancer 10; COLORECTAL CANCER, SUSCEPTIBILITY TO, ON CHROMOSOME 19q. Identifiers: Orphanet 220460, MedGen C2675481, MONDO:0012953, OMIM 612591.
Hereditary cancer-predisposing syndrome. Also called: Hereditary Cancer Syndrome; Hereditary neoplastic syndrome; Neoplastic Syndromes, Hereditary; Tumor predisposition. Identifiers: Orphanet 140162, MedGen C0027672, MeSH D009386, MONDO:0015356.

Submissions (2):

Ambry Genetics
Classification: Likely benign for Hereditary cancer-predisposing syndrome. Last evaluated: 2025-04-08. Review status: criteria provided, single submitter. Criteria: Ambry Variant Classification Scheme 2023. Collection method: clinical testing. Allele origin: germline.

Labcorp Genetics (formerly Invitae), Labcorp
Classification: Uncertain significance for POLD1-related polyposis and colorectal cancer syndrome. Last evaluated: 2022-11-23. Review status: criteria provided, single submitter. Criteria: Invitae Variant Classification Sherloc (09022015). Collection method: clinical testing. Allele origin: germline.
Comment: In summary, the available evidence is currently insufficient to determine the role of this variant in disease. Therefore, it has been classified as a Variant of Uncertain Significance. Advanced modeling of protein sequence and biophysical properties (such as structural, functional, and spatial information, amino acid conservation, physicochemical variation, residue mobility, and thermodynamic stability) performed at Invitae indicates that this missense variant is not expected to disrupt POLD1 protein function. This variant has not been reported in the literature in individuals affected with POLD1-related conditions. This variant is not present in population databases (gnomAD no frequency). This sequence change replaces glycine, which is neutral and non-polar, with glutamic acid, which is acidic and polar, at codon 567 of the POLD1 protein (p.Gly567Glu).